The following is an entry in ClinVar:

NM_001084.5(PLOD3):c.511G>A (p.Gly171Ser)

Gene: PLOD3 (procollagen-lysine,2-oxoglutarate 5-dioxygenase 3; minus strand). Cytogenetic location: 7q22.1.
Variant type: single nucleotide variant.
Coding change: c.511G>A on transcript NM_001084.5 (MANE Select); coding-DNA position 511, G replaced by A.
Protein change: p.Gly171Ser; replaces glycine 171 with serine.
Molecular consequence: missense variant.
Genome position (GRCh38, 1-based): chr7:101,216,012, C>T on the plus strand (G>A on the coding strand, the complement: PLOD3 is on the minus strand). VCF-style: chr7-101216012-C-T. GRCh37 (hg19) VCF-style: chr7-100859293-C-T.
Other names: c.511G>A (NM_001084.4); short protein forms G171S.
Identifiers: ClinVar variation 1521628 (VCV001521628.7), dbSNP rs373970754, ClinGen allele CA4408159.

ClinVar aggregate classification (germline): Conflicting classifications of pathogenicity. Review status: criteria provided, conflicting classifications (1 of 4 stars). 3 submissions from 3 submitters: Uncertain significance (2); Likely benign (1). Last evaluated 2023-10-16.

Conditions:
Inborn genetic diseases. Identifiers: MedGen C0950123, MeSH D030342.

Allele frequency attached by ClinVar (database versions not stated): gnomAD 0.00010 and 0.00011; TOPMed 0.00010; ESP Exome Variant Server 0.00015; 1000 Genomes Project 30x 0.00016; gnomAD exomes 0.00018 and 0.00021; 1000 Genomes Project 0.00020; ExAC 0.00023.

Submissions (3):

Blueprint Genetics
Classification: Uncertain significance. Last evaluated: 2023-10-16. Review status: criteria provided, single submitter. Criteria: ACMG Guidelines, 2015. Collection method: clinical testing. Allele origin: germline.

Ambry Genetics
Classification: Likely benign for Inborn genetic diseases. Last evaluated: 2022-11-17. Review status: criteria provided, single submitter. Criteria: Ambry Variant Classification Scheme 2023. Collection method: clinical testing. Allele origin: germline.

Labcorp Genetics (formerly Invitae), Labcorp
Classification: Uncertain significance. Last evaluated: 2022-10-26. Review status: criteria provided, single submitter. Criteria: Invitae Variant Classification Sherloc (09022015). Collection method: clinical testing. Allele origin: germline.
Comment: This sequence change replaces glycine, which is neutral and non-polar, with serine, which is neutral and polar, at codon 171 of the PLOD3 protein (p.Gly171Ser). This variant is present in population databases (rs373970754, gnomAD 0.03%). This variant has not been reported in the literature in individuals affected with PLOD3-related conditions. ClinVar contains an entry for this variant (Variation ID: 1521628). Algorithms developed to predict the effect of missense changes on protein structure and function (SIFT, PolyPhen-2, Align-GVGD) all suggest that this variant is likely to be disruptive. In summary, the available evidence is currently insufficient to determine the role of this variant in disease. Therefore, it has been classified as a Variant of Uncertain Significance.